The following is an entry in ClinVar:

ClinVar aggregate classification (germline): Uncertain significance (1 of 4 stars; one submission).

gnomAD v4.1: 3 of 1,614,104 alleles (0.00019%); highest among the groups gnomAD compares: African/African-American, 0.004%; no homozygotes.

Submission:

Labcorp Genetics (formerly Invitae), Labcorp
Classification: Uncertain significance. Last evaluated: 2025-03-05. Review status: criteria provided, single submitter. Criteria: Invitae Variant Classification Sherloc (09022015). Collection method: clinical testing. Allele origin: germline.
Comment: This sequence change replaces proline, which is neutral and non-polar, with histidine, which is basic and polar, at codon 89 of the CSF2RB protein (p.Pro89His). This variant is not present in population databases (gnomAD no frequency). This variant has not been reported in the literature in individuals affected with CSF2RB-related conditions. Invitae Evidence Modeling of protein sequence and biophysical properties (such as structural, functional, and spatial information, amino acid conservation, physicochemical variation, residue mobility, and thermodynamic stability) indicates that this missense variant is not expected to disrupt CSF2RB protein function with a negative predictive value of 80%. In summary, the available evidence is currently insufficient to determine the role of this variant in disease. Therefore, it has been classified as a Variant of Uncertain Significance.

NM_000395.3(CSF2RB):c.266C>A (p.Pro89His)

Genes: CSF2RB (colony stimulating factor 2 receptor subunit beta; plus strand), LOC126863140 (BRD4-independent group 4 enhancer GRCh37_chr22:37321546-37322745; plus strand). Cytogenetic location: 22q12.3.
Variant type: single nucleotide variant.
Coding change: c.266C>A on transcript NM_000395.3 (MANE Select); coding-DNA position 266, C replaced by A.
Protein change: p.Pro89His; replaces proline 89 with histidine.
Molecular consequence: missense variant.
Genome position (GRCh38, 1-based): chr22:36,926,052, C>A. VCF-style: chr22-36926052-C-A. GRCh37 (hg19) VCF-style: chr22-37322094-C-A.
Other names: c.266C>A, p.Pro89His (NM_001410827.1); short protein forms P89H.
Identifiers: ClinVar variation 4698884 (VCV004698884.1).